The following is an entry in ClinVar:

NM_003482.4(KMT2D):c.6122G>A (p.Arg2041His)

Gene: KMT2D (lysine methyltransferase 2D; minus strand). Cytogenetic location: 12q13.12.
Variant type: single nucleotide variant.
Coding change: c.6122G>A on transcript NM_003482.4 (MANE Select); coding-DNA position 6122, G replaced by A.
Protein change: p.Arg2041His; replaces arginine 2041 with histidine.
Molecular consequence: missense variant.
Genome position (GRCh38, 1-based): chr12:49,041,978, C>T on the plus strand (G>A on the coding strand, the complement: KMT2D is on the minus strand). VCF-style: chr12-49041978-C-T. GRCh37 (hg19) VCF-style: chr12-49435761-C-T.
Other names: short protein forms R2041H.
Identifiers: ClinVar variation 1305200 (VCV001305200.7), dbSNP rs1943555244, ClinGen allele CA384626402.

ClinVar aggregate classification (germline): Uncertain significance. Review status: criteria provided, multiple submitters, no conflicts (2 of 4 stars). 4 submissions from 4 submitters: Uncertain significance (4). Last evaluated 2026-01-06.

Conditions:
Kabuki syndrome. Also called: NIIKAWA-KUROKI SYNDROME; Kabuki make-up syndrome. Identifiers: Orphanet 2322, MedGen C0796004, MONDO:0016512.

Allele frequency attached by ClinVar (database versions not stated): gnomAD 0.00001.
gnomAD v4.1: 3 of 1,611,940 alleles (0.00019%); highest among the groups gnomAD compares: African/African-American, 0.0013%; no homozygotes.

Submissions (4):

Women's Health and Genetics/Laboratory Corporation of America, LabCorp
Classification: Uncertain significance. Last evaluated: 2026-01-06. Review status: criteria provided, single submitter. Criteria: LabCorp Variant Classification Summary - May 2015. Collection method: clinical testing. Allele origin: germline.
Comment: Variant summary: KMT2D c.6122G>A (p.Arg2041His) results in a non-conservative amino acid change in the encoded protein sequence. Algorithms developed to predict the effect of missense changes on protein structure and function all suggest that this variant is likely to be disruptive. The variant was absent in 245892 control chromosomes. The available data on variant occurrences in the general population are insufficient to allow any conclusion about variant significance. To our knowledge, no occurrence of c.6122G>A in individuals affected with Kabuki Syndrome 1 and no experimental evidence demonstrating an impact on protein function have been reported. ClinVar contains an entry for this variant (Variation ID: 1305200). Based on the evidence outlined above, the variant was classified as uncertain significance.

Labcorp Genetics (formerly Invitae), Labcorp
Classification: Uncertain significance for Kabuki syndrome. Last evaluated: 2025-12-22. Review status: criteria provided, single submitter. Criteria: Invitae Variant Classification Sherloc (09022015). Collection method: clinical testing. Allele origin: germline.
Comment: This sequence change replaces arginine, which is basic and polar, with histidine, which is basic and polar, at codon 2041 of the KMT2D protein (p.Arg2041His). This variant is not present in population databases (gnomAD no frequency). This variant has not been reported in the literature in individuals affected with KMT2D-related conditions. ClinVar contains an entry for this variant (Variation ID: 1305200). Invitae Evidence Modeling of protein sequence and biophysical properties (such as structural, functional, and spatial information, amino acid conservation, physicochemical variation, residue mobility, and thermodynamic stability) has been performed for this missense variant. However, the output from this modeling did not meet the statistical confidence thresholds required to predict the impact of this variant on KMT2D protein function. In summary, the available evidence is currently insufficient to determine the role of this variant in disease. Therefore, it has been classified as a Variant of Uncertain Significance.

Dasa
Classification: Uncertain significance. Last evaluated: 2025-02-21. Review status: criteria provided, single submitter. Criteria: DASA Assertion Criteria. Collection method: clinical testing. Allele origin: germline.
Comment: NM_003482.4(KMT2D):c.6122G>A (p.Arg2041His) is a missense variant that results in the substitution of arginine with histidine. This variant is rare in population databases. Computational prediction algorithms are consistent with a deleterious effect. The currently available literature and clinical evidence are not sufficient to establish a definitive association between this variant and the reported condition. Therefore, this variant is classified as a variant of uncertain significance.

GeneDx
Classification: Uncertain significance. Last evaluated: 2019-04-22. Review status: criteria provided, single submitter. Criteria: GeneDx Variant Classification Process June 2021. Collection method: clinical testing. Allele origin: germline. Affected: yes.
Comment: Not observed in large population cohorts (Lek et al., 2016); In silico analysis, which includes protein predictors and evolutionary conservation, supports a deleterious effect; Has not been previously published as pathogenic or benign to our knowledge

Literature cited by the submitters: PubMed 33547396 (cited by Women's Health and Genetics/Laboratory Corporation of America, LabCorp).